The following is an entry in ClinVar:

NM_144573.4(NEXN):c.1275T>C (p.Phe425=)

Gene: NEXN (nexilin F-actin binding protein; plus strand). Cytogenetic location: 1p31.1.
Variant type: single nucleotide variant.
Coding change: c.1275T>C on transcript NM_144573.4 (MANE Select); coding-DNA position 1275, T replaced by C.
Protein change: p.Phe425=; no amino-acid change (phenylalanine 425 retained).
Molecular consequence: synonymous variant.
Genome position (GRCh38, 1-based): chr1:77,935,846, T>C. VCF-style: chr1-77935846-T-C. GRCh37 (hg19) VCF-style: chr1-78401531-T-C.
Other names: c.1083T>C, p.Phe361= (NM_001172309.2).
Identifiers: ClinVar variation 381371 (VCV000381371.3), dbSNP rs759257757, ClinGen allele CA16603757.

ClinVar aggregate classification (germline): Likely benign. Review status: criteria provided, multiple submitters, no conflicts (2 of 4 stars). 2 submissions from 2 submitters: Likely benign (2). Last evaluated 2021-02-04.

Conditions:
Cardiovascular phenotype. Identifiers: MedGen CN230736.

Allele frequency attached by ClinVar (database versions not stated): gnomAD exomes below 0.00001.
gnomAD v4.1: 1 of 1,612,914 alleles (0.000062%); highest among the groups gnomAD compares: Non-Finnish European, 0.000085%; no homozygotes.

Submissions (2):

Ambry Genetics
Classification: Likely benign for Cardiovascular phenotype. Last evaluated: 2021-02-04. Review status: criteria provided, single submitter. Criteria: Ambry Variant Classification Scheme 2023. Collection method: clinical testing. Allele origin: germline.

GeneDx
Classification: Likely benign. Last evaluated: 2015-11-12. Review status: criteria provided, single submitter. Criteria: GeneDx Variant Classification (06012015). Collection method: clinical testing. Allele origin: germline. Affected: yes.
Comment: This variant is considered likely benign or benign based on one or more of the following criteria: it is a conservative change, it occurs at a poorly conserved position in the protein, it is predicted to be benign by multiple in silico algorithms, and/or has population frequency not consistent with disease.